The following is an entry in ClinVar:

ClinVar aggregate classification (germline): Uncertain significance (1 of 4 stars; one submission).

Submission:

Labcorp Genetics (formerly Invitae), Labcorp
Classification: Uncertain significance. Last evaluated: 2024-01-19. Review status: criteria provided, single submitter. Criteria: Invitae Variant Classification Sherloc (09022015). Collection method: clinical testing. Allele origin: germline.
Comment: This sequence change replaces phenylalanine, which is neutral and non-polar, with valine, which is neutral and non-polar, at codon 751 of the SNRNP200 protein (p.Phe751Val). This variant is not present in population databases (gnomAD no frequency). This variant has not been reported in the literature in individuals affected with SNRNP200-related conditions. ClinVar contains an entry for this variant (Variation ID: 2088547). Advanced modeling of protein sequence and biophysical properties (such as structural, functional, and spatial information, amino acid conservation, physicochemical variation, residue mobility, and thermodynamic stability) performed at Invitae indicates that this missense variant is expected to disrupt SNRNP200 protein function with a positive predictive value of 80%. In summary, the available evidence is currently insufficient to determine the role of this variant in disease. Therefore, it has been classified as a Variant of Uncertain Significance.

NM_014014.5(SNRNP200):c.2251T>G (p.Phe751Val)

Gene: SNRNP200 (small nuclear ribonucleoprotein U5 subunit 200; minus strand). Cytogenetic location: 2q11.2.
Variant type: single nucleotide variant.
Coding change: c.2251T>G on transcript NM_014014.5 (MANE Select); coding-DNA position 2251, T replaced by G.
Protein change: p.Phe751Val; replaces phenylalanine 751 with valine.
Molecular consequence: missense variant.
Genome position (GRCh38, 1-based): chr2:96,291,810, A>C on the plus strand (T>G on the coding strand, the complement: SNRNP200 is on the minus strand). VCF-style: chr2-96291810-A-C. GRCh37 (hg19) VCF-style: chr2-96957548-A-C.
Other names: short protein forms F751V.
Identifiers: ClinVar variation 2088547 (VCV002088547.4), dbSNP rs2467339506, ClinGen allele CA347678137.